The following is an entry in ClinVar:

NM_018979.4(WNK1):c.5878G>T (p.Val1960Leu)

Gene: WNK1 (WNK lysine deficient protein kinase 1; plus strand). Cytogenetic location: 12p13.33.
Variant type: single nucleotide variant.
Coding change: c.5878G>T on transcript NM_018979.4 (MANE Select); coding-DNA position 5878, G replaced by T.
Protein change: p.Val1960Leu; replaces valine 1960 with leucine.
Molecular consequence: missense variant.
Genome position (GRCh38, 1-based): chr12:896,365, G>T. VCF-style: chr12-896365-G-T. GRCh37 (hg19) VCF-style: chr12-1005531-G-T.
Other names: p.Val1960Leu; c.6658G>T, p.Val2220Leu (NM_001184985.2); c.5134G>T, p.Val1712Leu (NM_014823.3); c.6634G>T, p.Val2212Leu (NM_213655.5); short protein forms V1712L, V1960L, V2212L, V2220L.
Identifiers: ClinVar variation 855346 (VCV000855346.14), dbSNP rs1010227759, ClinGen allele CA383335579.

ClinVar aggregate classification (germline): Uncertain significance. Review status: criteria provided, multiple submitters, no conflicts (2 of 4 stars). 3 submissions from 3 submitters: Uncertain significance (3). Last evaluated 2025-10-14.

Conditions:
Pseudohypoaldosteronism type 2C (PHA2C). Also called: Pseudohypoaldosteronism Type IIC. Identifiers: Orphanet 757, Orphanet 88940, MedGen C1840391, MONDO:0013778, OMIM 614492.
Neuropathy, hereditary sensory and autonomic, type 2A (HSAN2A). Also called: ACROOSTEOLYSIS, GIACCAI TYPE; ACROOSTEOLYSIS, NEUROGENIC; MORVAN DISEASE; NEUROPATHY, CONGENITAL SENSORY; NEUROPATHY, HEREDITARY SENSORY RADICULAR, AUTOSOMAL RECESSIVE; NEUROPATHY, HEREDITARY SENSORY, TYPE IIA. Identifiers: Orphanet 970, MedGen C2752089, MONDO:0024309, OMIM 201300.

Allele frequency attached by ClinVar (database versions not stated): gnomAD exomes 0.00001.
gnomAD v4.1: 14 of 1,614,182 alleles (0.00087%); highest among the groups gnomAD compares: Middle Eastern, 0.016%; no homozygotes.

Submissions (3):

Mayo Clinic Laboratories, Mayo Clinic
Classification: Uncertain significance. Last evaluated: 2025-10-14. Review status: criteria provided, single submitter. Criteria: ACMG Guidelines, 2015. Collection method: clinical testing. Allele origin: germline. Observed: 1 variant allele.

Labcorp Genetics (formerly Invitae), Labcorp
Classification: Uncertain significance for Neuropathy, hereditary sensory and autonomic, type 2A; Pseudohypoaldosteronism type 2C. Last evaluated: 2019-12-12. Review status: criteria provided, single submitter. Criteria: Invitae Variant Classification Sherloc (09022015). Collection method: clinical testing. Allele origin: germline.
Comment: This variant has not been reported in the literature in individuals with WNK1-related conditions. This variant is not present in population databases (ExAC no frequency). This sequence change replaces valine with leucine at codon 2212 of the WNK1 protein (p.Val2212Leu). The valine residue is highly conserved and there is a small physicochemical difference between valine and leucine. Algorithms developed to predict the effect of missense changes on protein structure and function are either unavailable or do not agree on the potential impact of this missense change (SIFT: "Deleterious"; PolyPhen-2: "Not Available"; Align-GVGD: "Class C0"). In summary, the available evidence is currently insufficient to determine the role of this variant in disease. Therefore, it has been classified as a Variant of Uncertain Significance.

Illumina Laboratory Services, Illumina
Classification: Uncertain significance for Pseudohypoaldosteronism type 2C. Last evaluated: 2018-01-13. Review status: criteria provided, single submitter. Criteria: ICSL Variant Classification Criteria 13 December 2019. Collection method: clinical testing. Allele origin: germline.

Literature cited by the submitters: PubMed 17721439 (cited by Mayo Clinic Laboratories, Mayo Clinic).